The following is an entry in ClinVar:

ClinVar aggregate classification (germline): Pathogenic (1 of 4 stars; one submission).

Conditions:
Long chain 3-hydroxyacyl-CoA dehydrogenase deficiency. Also called: Deficiency of long-chain 3-hydroxyacyl-coenzyme A dehydrogenase; LCHAD Deficiency. Identifiers: Orphanet 5, MedGen C3711645, MONDO:0012173, OMIM 609016.

Submission:

Myriad Genetics, Inc.
Classification: Pathogenic for Long chain 3-hydroxyacyl-CoA dehydrogenase deficiency. Last evaluated: 2024-10-17. Review status: criteria provided, single submitter. Criteria: Myriad Autosomal Dominant, Autosomal Recessive and X-Linked Classification Criteria (2023). Collection method: clinical testing. Allele origin: unknown.
Comment: NM_000182.4(HADHA):c.15_16delGGinsC(A6Rfs*31) is expected to be pathogenic in the context of HADHA-related disorders. This variant is predicted to lead to an abnormal or absent protein product due to the creation of a premature termination codon in HADHA, a gene where loss-of-function variants are known to be pathogenic. Please note: this variant was assessed in the context of healthy population screening.

NM_000182.5(HADHA):c.15_16delinsC (p.Ala6fs)

Genes: HADHA (hydroxyacyl-CoA dehydrogenase trifunctional multienzyme complex subunit alpha; minus strand), HADHB (hydroxyacyl-CoA dehydrogenase trifunctional multienzyme complex subunit beta; plus strand). Cytogenetic location: 2p23.3.
Variant type: Indel.
Coding change: c.15_16delinsC on transcript NM_000182.5 (MANE Select); coding-DNA positions 15 to 16, GG replaced by C.
Protein change: p.Ala6fs; shifts the reading frame from alanine 6.
Molecular consequence: frameshift variant.
Genome position (GRCh38, 1-based): chr2:26,244,581-26,244,582, CC replaced by G on the plus strand (GG replaced by C on the coding strand, the reverse complement: HADHA is on the minus strand). VCF-style: chr2-26244581-CC-G. GRCh37 (hg19) VCF-style: chr2-26467449-CC-G.
Other names: short protein forms A6fs.
Identifiers: ClinVar variation 5013645 (VCV005013645.1).
Genomic context (GRCh38, chr2:26,244,581, plus strand): 5'-AGGCCTCACCTCGGGAGCGGAGGATCCTGAAGGCAGAAAAGCGGCTGAGGATGCCAATCG[CC>G]CGGCAGGCCACCATCTTGAGCTGAAGAGGACAGCAGTGGAGAGCGCCTCTAACGGGTGCG-3'